The following is an entry in ClinVar:

ClinVar aggregate classification (germline): Pathogenic (1 of 4 stars; one submission).

Conditions:
Polycystic kidney disease, adult type (PKD1). Also called: Polycystic Kidney, Autosomal Dominant; POLYCYSTIC KIDNEY DISEASE 1 WITH OR WITHOUT POLYCYSTIC LIVER DISEASE; POLYCYSTIC KIDNEY DISEASE, ADULT, TYPE I; Polycystic Kidney Disease 1, Autosomal Dominant; Polycystic kidney disease 1; Polycystic kidney disease 1, severe. Identifiers: MedGen C3149841, MONDO:0008263, OMIM 173900.

Submission:

Juno Genomics, Hangzhou Juno Genomics, Inc
Classification: Pathogenic for Polycystic kidney disease, adult type. Review status: criteria provided, single submitter. Criteria: ACMG Guidelines, 2015. Collection method: clinical testing. Allele origin: germline. Affected: yes.
Comment: Absent from controls (or at extremely low frequency if recessive) in Genome Aggregation Database, Exome Sequencing Project, 1000 Genomes Project, or Exome Aggregation Consortium.;Null variant in a gene where loss of function (LOF) is a known mechanism of disease.;The prevalence of the variant in affected individuals is significantly increased compared to the prevalence in controls.;Patient's phenotype or family history is highly specific for a disease with a single genetic etiology.

NM_001009944.3(PKD1):c.4625_4626del (p.Val1542fs)

Gene: PKD1 (polycystin 1, transient receptor potential channel interacting; minus strand). Cytogenetic location: 16p13.3.
Variant type: Microsatellite.
Coding change: c.4625_4626del on transcript NM_001009944.3 (MANE Select); coding-DNA positions 4625 to 4626, 2 bases deleted (TG; older notation c.4625_4626delTG).
Protein change: p.Val1542fs; shifts the reading frame from valine 1542.
Molecular consequence: frameshift variant.
Genome position (GRCh38, 1-based): chr16:2,110,541-2,110,542, CA deleted on the plus strand (TG on the coding strand, the reverse complement: PKD1 is on the minus strand); deleting any 2 consecutive bases within chr16:2,110,541-2,110,544 gives the same sequence; the c. name uses the placement nearest the transcript's 3' end. VCF-style (leftmost placement, unchanged base first): chr16-2110540-TCA-T. GRCh37 (hg19) VCF-style: chr16-2160541-TCA-T.
Other names: c.4625_4626del, p.Val1542fs (NM_000296.4); short protein forms V1542fs.
Identifiers: ClinVar variation 3335856 (VCV003335856.2).